The following is an entry in ClinVar:

ClinVar aggregate classification (germline): Pathogenic (1 of 4 stars; one submission).

Conditions:
Chudley-McCullough syndrome (CMCS). Also called: Deafness, autosomal recessive 82; DEAFNESS, SENSORINEURAL, WITH PARTIAL AGENESIS OF THE CORPUS CALLOSUM AND ARACHNOID CYSTS. Identifiers: Orphanet 314597, MedGen C1858695, MONDO:0011411, OMIM 604213.

Submission:

Victorian Clinical Genetics Services, Murdoch Childrens Research Institute
Classification: Pathogenic for Chudley-McCullough syndrome. Last evaluated: 2024-10-10. Review status: criteria provided, single submitter. Criteria: ACMG Guidelines, 2015. Collection method: clinical testing. Allele origin: germline. Inheritance: Autosomal recessive inheritance. Affected: yes.
Comment: Based on the classification scheme VCGS_Germline_v1.3.5, this variant is classified as Pathogenic. Following criteria are met: 0102 - Loss of function is a known mechanism of disease in this gene and is associated with Chudley-McCullough syndrome (MIM#604213). (I) 0106 - This gene is associated with autosomal recessive disease. (I) 0201 - Variant is predicted to cause nonsense-mediated decay (NMD) and loss of protein (premature termination codon is located at least 54 nucleotides upstream of the final exon-exon junction). (SP) 0252 - This variant is homozygous. (I) 0301 - Variant is absent from gnomAD (v2, v3 and v4). (SP) 0701 - Other NMD-predicted variants comparable to the one identified in this case have very strong previous evidence for pathogenicity. There are many pathogenic NMD-predicted PTC variants found in affected individuals (DECIPHER). (SP) 0807 - This variant has no previous evidence of pathogenicity. (I) 0905 - No published segregation evidence has been identified for this variant. (I) 1007 - No published functional evidence has been identified for this variant. (I) Legend: (SP) - Supporting pathogenic, (I) - Information, (SB) - Supporting benign

NM_013296.5(GPSM2):c.1002del (p.Ala334_Leu335insTer)

Gene: GPSM2 (G protein signaling modulator 2; plus strand). Cytogenetic location: 1p13.3.
Variant type: Deletion.
Coding change: c.1002del on transcript NM_013296.5 (MANE Select); coding-DNA position 1002, one base deleted (A; older notation c.1002delA).
Protein change: p.Ala334_Leu335insTer.
Molecular consequence: frameshift variant.
Genome position (GRCh38, 1-based): chr1:108,903,174, A deleted. VCF-style (leftmost placement, unchanged base first): chr1-108903173-CA-C. GRCh37 (hg19) VCF-style: chr1-109445795-CA-C.
Other names: c.1002del, p.Ala334_Leu335insTer (NM_001321038.2, NM_001321039.3).
Identifiers: ClinVar variation 3376994 (VCV003376994.1).
Genomic context (GRCh38, chr1:108,903,173, plus strand): 5'-AATAACGTTTTAGAATTGGTGAAGGAAGAGCATGTTGGAGCTTAGGAAATGCATACACAG[CA>C]CTAGGAAATCATGATCAAGCAATGCATTTTGCTGAAAAGCACTTGGAAATTTCAAGAGAG-3'